The following is an entry in ClinVar:

NM_001110556.2(FLNA):c.7013C>T (p.Ser2338Phe)

Gene: FLNA (filamin A; minus strand). Cytogenetic location: Xq28.
Variant type: single nucleotide variant.
Coding change: c.7013C>T on transcript NM_001110556.2 (MANE Select); coding-DNA position 7013, C replaced by T.
Protein change: p.Ser2338Phe; replaces serine 2338 with phenylalanine.
Molecular consequence: missense variant.
Genome position (GRCh38, 1-based): chrX:154,351,591, G>A on the plus strand (C>T on the coding strand, the complement: FLNA is on the minus strand). VCF-style: chrX-154351591-G-A. GRCh37 (hg19) VCF-style: chrX-153579959-G-A.
Other names: c.6989C>T, p.Ser2330Phe (NM_001456.4); short protein forms S2330F, S2338F.
Identifiers: ClinVar variation 1302135 (VCV001302135.30), dbSNP rs781878646, ClinGen allele CA415185500.
Genomic context (GRCh38, chrX:154,351,591, plus strand): 5'-TCTGTCCGGGCCCAGGAGCCCCAGGTGGGCGGTTTCTCTCGGTGCCTCACCTGAAGGCTA[G>A]AAACAGTGAGGCGGCGGGCGTCGCCAGACGGAGAAGCCACAGGCACCACGAAGGGGCTGT-3'
Protein context (NP_001104026.1, residues 2328-2348): PSGDARRLTV[Ser2338Phe]SLQESGLKVN

ClinVar aggregate classification (germline): Uncertain significance. Review status: criteria provided, multiple submitters, no conflicts (2 of 4 stars). 3 submissions from 3 submitters: Uncertain significance (3). Last evaluated 2023-04-11.

Conditions:
Oto-palato-digital syndrome, type II (OPD2). Also called: OPD II SYNDROME; Otopalatodigital Syndrome, Type II; Otopalatodigital Syndrome Type 2 (FLNA-OPD2); FACIOPALATOOSSEOUS SYNDROME. Identifiers: Orphanet 669, Orphanet 90652, MedGen C1844696, MONDO:0010571, OMIM 304120.
Frontometaphyseal dysplasia (FMD1). Identifiers: Orphanet 1826, MedGen C0265293, MONDO:0015942.
Heterotopia, periventricular, X-linked dominant (PVNH1). Also called: PERIVENTRICULAR NODULAR HETEROTOPIA 1; X-linked periventricular heterotopia; HETEROTOPIA, PERIVENTRICULAR, 1; PERIVENTRICULAR NODULAR HETEROTOPIA 4. Identifiers: Orphanet 2149, Orphanet 82004, MedGen C1848213, MONDO:0010233, OMIM 300049.
Melnick-Needles syndrome (MNS). Also called: MELNICK-NEEDLES OSTEODYSPLASTY; OSTEODYSPLASTY OF MELNICK AND NEEDLES; Melnick-Needles Syndrome (FLNA-MNS). Identifiers: Orphanet 2484, MedGen C0025237, MONDO:0010650, OMIM 309350.

Submissions (3):

GeneDx
Classification: Uncertain significance. Last evaluated: 2023-04-11. Review status: criteria provided, single submitter. Criteria: GeneDx Variant Classification Process June 2021. Collection method: clinical testing. Allele origin: germline. Affected: yes.
Comment: Not observed at significant frequency in large population cohorts (gnomAD); In silico analysis supports that this missense variant has a deleterious effect on protein structure/function; Has not been previously published as pathogenic or benign to our knowledge

Labcorp Genetics (formerly Invitae), Labcorp
Classification: Uncertain significance for Oto-palato-digital syndrome, type II; Heterotopia, periventricular, X-linked dominant; Frontometaphyseal dysplasia; Melnick-Needles syndrome. Last evaluated: 2023-02-04. Review status: criteria provided, single submitter. Criteria: Invitae Variant Classification Sherloc (09022015). Collection method: clinical testing. Allele origin: germline.
Comment: This sequence change replaces serine, which is neutral and polar, with phenylalanine, which is neutral and non-polar, at codon 2330 of the FLNA protein (p.Ser2330Phe). This variant is not present in population databases (gnomAD no frequency). This variant has not been reported in the literature in individuals affected with FLNA-related conditions. ClinVar contains an entry for this variant (Variation ID: 1302135). Advanced modeling of protein sequence and biophysical properties (such as structural, functional, and spatial information, amino acid conservation, physicochemical variation, residue mobility, and thermodynamic stability) performed at Invitae indicates that this missense variant is not expected to disrupt FLNA protein function. In summary, the available evidence is currently insufficient to determine the role of this variant in disease. Therefore, it has been classified as a Variant of Uncertain Significance.

CeGaT Center for Human Genetics Tuebingen
Classification: Uncertain significance. Last evaluated: 2022-11-01. Review status: criteria provided, single submitter. Criteria: CeGaT Center For Human Genetics Tuebingen Variant Classification Criteria Version 2. Collection method: clinical testing. Allele origin: germline. Affected: yes. Observed: 1 variant allele.
Comment: FLNA: PM2, PP2